The following is an entry in ClinVar:

ClinVar aggregate classification (germline): Benign/Likely benign. Review status: criteria provided, multiple submitters, no conflicts (2 of 4 stars). 5 submissions from 5 submitters: Benign (3); Likely benign (2). Last evaluated 2026-02-04.

Conditions:
Junctional epidermolysis bullosa with pyloric atresia. Also called: Epidermolysis bullosa, junctional, with pyloric atresia and aplasia cutis congenita; Epidermolysis bullosa junctionalis with pyloric atresia; APLASIA CUTIS CONGENITA WITH GASTROINTESTINAL ATRESIA; CARMI SYNDROME; EB-PA-ACC; EPIDERMOLYSIS BULLOSA, JUNCTIONAL 5B, WITH PYLORIC ATRESIA. Identifiers: Orphanet 79403, MedGen C5676875, MONDO:0009183, OMIM 226730.

Allele frequency attached by ClinVar (database versions not stated): 1000 Genomes Project 30x 0.00406; 1000 Genomes Project 0.00459; ExAC 0.00534; gnomAD exomes 0.00581; ESP Exome Variant Server 0.00592; TOPMed 0.00644; gnomAD 0.00663.
gnomAD v4.1: 13,925 of 1,609,952 alleles (0.86%); highest among the groups gnomAD compares: Middle Eastern, 1.7%; 84 homozygotes.

Submissions (18):

Labcorp Genetics (formerly Invitae), Labcorp
Classification: Benign. Last evaluated: 2026-02-04. Review status: criteria provided, single submitter. Criteria: Invitae Variant Classification Sherloc (09022015). Collection method: clinical testing. Allele origin: germline.

CeGaT Center for Human Genetics Tuebingen
Classification: Benign. Last evaluated: 2024-10-01. Review status: criteria provided, single submitter. Criteria: CeGaT Center For Human Genetics Tuebingen Variant Classification Criteria Version 2. Collection method: clinical testing. Allele origin: germline. Affected: yes. Observed: 2 variant alleles.
Comment: ITGA6: BP4, BP7, BS1, BS2

Genome-Nilou Lab
Classification: Benign for Junctional epidermolysis bullosa with pyloric atresia. Last evaluated: 2021-08-19. Review status: criteria provided, single submitter. Criteria: ACMG Guidelines, 2015. Collection method: clinical testing. Allele origin: germline. Affected: no.

Illumina Laboratory Services, Illumina
Classification: Likely benign for Junctional epidermolysis bullosa with pyloric atresia. Last evaluated: 2018-01-13. Review status: criteria provided, single submitter. Criteria: ICSL Variant Classification Criteria 13 December 2019. Collection method: clinical testing. Allele origin: germline.
Comment: This variant was observed in the ICSL laboratory as part of a predisposition screen in an ostensibly healthy population. It had not been previously curated by ICSL or reported in the Human Gene Mutation Database (HGMD: prior to June 1st, 2018), and was therefore a candidate for classification through an automated scoring system. Utilizing variant allele frequency, disease prevalence and penetrance estimates, and inheritance mode, an automated score was calculated to assess if this variant is too frequent to cause the disease. Based on the score and internal cut-off values, a variant classified as likely benign is not then subjected to further curation. The score for this variant resulted in a classification of likely benign for this disease.

Breakthrough Genomics
Classification: Likely benign. Review status: criteria provided, single submitter. Criteria: ACMG Guidelines, 2015. Collection method: not provided. Allele origin: germline. Inheritance: Autosomal recessive inheritance. Affected: yes.

Dr. Peter K. Rogan Lab, Western University
No classification provided (evidence only). Condition: Clear cell carcinoma of kidney. Review status: no classification provided. Collection method: in vitro. Allele origin: not applicable. Functional consequence: retained intron. Not counted in ClinVar's aggregate classification.

Dr. Peter K. Rogan Lab, Western University
No classification provided (evidence only). Condition: Lung cancer. Review status: no classification provided. Collection method: in vitro. Allele origin: not applicable. Functional consequence: retained intron. Not counted in ClinVar's aggregate classification.

Dr. Peter K. Rogan Lab, Western University
No classification provided (evidence only). Condition: Lung cancer. Review status: no classification provided. Collection method: in vitro. Allele origin: not applicable. Functional consequence: retained intron. Not counted in ClinVar's aggregate classification.

Dr. Peter K. Rogan Lab, Western University
No classification provided (evidence only). Condition: Melanoma. Review status: no classification provided. Collection method: in vitro. Allele origin: not applicable. Functional consequence: retained intron. Not counted in ClinVar's aggregate classification.

Dr. Peter K. Rogan Lab, Western University
No classification provided (evidence only). Condition: Familial cancer of breast. Review status: no classification provided. Collection method: in vitro. Allele origin: not applicable. Functional consequence: retained intron. Not counted in ClinVar's aggregate classification.

Dr. Peter K. Rogan Lab, Western University
No classification provided (evidence only). Condition: Familial cancer of breast. Review status: no classification provided. Collection method: in vitro. Allele origin: not applicable. Functional consequence: retained intron. Not counted in ClinVar's aggregate classification.

Dr. Peter K. Rogan Lab, Western University
No classification provided (evidence only). Condition: Familial cancer of breast. Review status: no classification provided. Collection method: in vitro. Allele origin: not applicable. Functional consequence: retained intron. Not counted in ClinVar's aggregate classification.

Dr. Peter K. Rogan Lab, Western University
No classification provided (evidence only). Condition: Colon adenocarcinoma. Review status: no classification provided. Collection method: in vitro. Allele origin: not applicable. Functional consequence: retained intron. Not counted in ClinVar's aggregate classification.

Dr. Peter K. Rogan Lab, Western University
No classification provided (evidence only). Condition: Uterine corpus endometrial carcinoma. Review status: no classification provided. Collection method: in vitro. Allele origin: not applicable. Functional consequence: retained intron. Not counted in ClinVar's aggregate classification.

Dr. Peter K. Rogan Lab, Western University
No classification provided (evidence only). Condition: Cervical cancer. Review status: no classification provided. Collection method: in vitro. Allele origin: not applicable. Functional consequence: retained intron. Not counted in ClinVar's aggregate classification.

Dr. Peter K. Rogan Lab, Western University
No classification provided (evidence only). Condition: Ovarian serous cystadenocarcinoma. Review status: no classification provided. Collection method: in vitro. Allele origin: not applicable. Functional consequence: retained intron. Not counted in ClinVar's aggregate classification.

Dr. Peter K. Rogan Lab, Western University
No classification provided (evidence only). Condition: Ovarian serous cystadenocarcinoma. Review status: no classification provided. Collection method: in vitro. Allele origin: not applicable. Functional consequence: retained intron. Not counted in ClinVar's aggregate classification.

Dr. Peter K. Rogan Lab, Western University
No classification provided (evidence only). Condition: Malignant tumor of esophagus. Review status: no classification provided. Collection method: in vitro. Allele origin: not applicable. Functional consequence: retained intron. Not counted in ClinVar's aggregate classification.

NM_000210.4(ITGA6):c.2247C>G (p.Val749=)

Genes: ITGA6 (integrin subunit alpha 6; plus strand), PDK1-AS1 (PDK1 and ITGA6 antisense RNA 1; minus strand). Cytogenetic location: 2q31.1.
Variant type: single nucleotide variant.
Coding change: c.2247C>G on transcript NM_000210.4 (MANE Select); coding-DNA position 2247, C replaced by G.
Protein change: p.Val749=; no amino-acid change (valine 749 retained).
Molecular consequence: synonymous variant.
Genome position (GRCh38, 1-based): chr2:172,487,730, C>G. VCF-style: chr2-172487730-C-G. GRCh37 (hg19) VCF-style: chr2-173352458-C-G.
Other names: c.2247C>G, p.Val749= (NM_001079818.3, NM_001365529.2, NM_001365530.2); c.1890C>G, p.Val630= (NM_001316306.2).
Identifiers: ClinVar variation 332373 (VCV000332373.41), dbSNP rs61748247, ClinGen allele CA1968349.